The following is an entry in ClinVar:

ClinVar aggregate classification (germline): Likely pathogenic (1 of 4 stars; one submission).

Conditions:
Mucopolysaccharidosis type 1. Also called: IDUA deficiency; MPS I; Mucopolysaccharidosis Type I. Identifiers: Orphanet 579, MedGen C0023786, MONDO:0001586.

Allele frequency attached by ClinVar (database versions not stated): gnomAD 0.00001; TOPMed 0.00001.

Submission:

Natera, Inc.
Classification: Likely pathogenic for Mucopolysaccharidosis type I. Last evaluated: 2024-10-10. Review status: criteria provided, single submitter. Criteria: Natera Variant Classification Schema (03/2026). Collection method: clinical testing. Allele origin: germline.
Comment: The c.60delG variant in IDUA is a frameshift variant predicted to shift the reading frame beginning at codon 22 and leads to a stop codon 86 codons downstream. This variant is expected to result in nonsense mediated decay, truncation, or a dysfunctional protein product. This variant is rare in the general population with a frequency below the threshold expected for the associated phenotype(s). Given the available evidence, this variant is classified as Likely Pathogenic.

NM_000203.5(IDUA):c.60del (p.Pro22fs)

Genes: IDUA (alpha-L-iduronidase; plus strand), SLC26A1 (solute carrier family 26 member 1; minus strand). Cytogenetic location: 4p16.3.
Variant type: Deletion.
Coding change: c.60del on transcript NM_000203.5 (MANE Select); coding-DNA position 60, one base deleted (G; older notation c.60delG).
Protein change: p.Pro22fs; shifts the reading frame from proline 22.
Molecular consequence: frameshift variant. On other transcripts: non-coding transcript variant (1), intron variant (1).
Genome position (GRCh38, 1-based): chr4:987,144, G deleted. VCF-style (leftmost placement, unchanged base first): chr4-987143-CG-C. GRCh37 (hg19) VCF-style: chr4-980931-CG-C.
Other names: c.576+3984del (NM_134425.4); short protein forms P22fs.
Identifiers: ClinVar variation 4817936 (VCV004817936.1), dbSNP rs751289519.